The following is an entry in ClinVar:

ClinVar aggregate classification (germline): Uncertain significance (1 of 4 stars; one submission).

Allele frequency attached by ClinVar (database versions not stated): TOPMed below 0.00001; gnomAD exomes 0.00001; ExAC 0.00002.
gnomAD v4.1: 4 of 1,613,942 alleles (0.00025%); highest among the groups gnomAD compares: South Asian, 0.0011%; no homozygotes.

Submission:

CeGaT Center for Human Genetics Tuebingen
Classification: Uncertain significance. Last evaluated: 2023-01-01. Review status: criteria provided, single submitter. Criteria: CeGaT Center For Human Genetics Tuebingen Variant Classification Criteria Version 2. Collection method: clinical testing. Allele origin: germline. Affected: yes. Observed: 1 variant allele.
Comment: KMT2D: PM2, PP2

NM_003482.4(KMT2D):c.632A>G (p.Gln211Arg)

Gene: KMT2D (lysine methyltransferase 2D; minus strand). Cytogenetic location: 12q13.12.
Variant type: single nucleotide variant.
Coding change: c.632A>G on transcript NM_003482.4 (MANE Select); coding-DNA position 632, A replaced by G.
Protein change: p.Gln211Arg; replaces glutamine 211 with arginine.
Molecular consequence: missense variant.
Genome position (GRCh38, 1-based): chr12:49,054,019, T>C on the plus strand (A>G on the coding strand, the complement: KMT2D is on the minus strand). VCF-style: chr12-49054019-T-C. GRCh37 (hg19) VCF-style: chr12-49447802-T-C.
Other names: short protein forms Q211R.
Identifiers: ClinVar variation 2642967 (VCV002642967.24), dbSNP rs764456734, ClinGen allele CA6548688.